The following is an entry in ClinVar:

ClinVar aggregate classification (germline): Uncertain significance (1 of 4 stars; one submission).

Allele frequency attached by ClinVar (database versions not stated): gnomAD exomes below 0.00001; ExAC 0.00001; gnomAD 0.00002.
gnomAD v4.1: 9 of 1,612,684 alleles (0.00056%); highest among the groups gnomAD compares: East Asian, 0.0045%; no homozygotes.

Submission:

Labcorp Genetics (formerly Invitae), Labcorp
Classification: Uncertain significance. Last evaluated: 2022-06-14. Review status: criteria provided, single submitter. Criteria: Invitae Variant Classification Sherloc (09022015). Collection method: clinical testing. Allele origin: germline.
Comment: This sequence change replaces alanine, which is neutral and non-polar, with threonine, which is neutral and polar, at codon 127 of the DIP2C protein (p.Ala127Thr). In summary, the available evidence is currently insufficient to determine the role of this variant in disease. Therefore, it has been classified as a Variant of Uncertain Significance. Algorithms developed to predict the effect of missense changes on protein structure and function are either unavailable or do not agree on the potential impact of this missense change (SIFT: "Tolerated"; PolyPhen-2: "Possibly Damaging"; Align-GVGD: "Class C0"). This variant has not been reported in the literature in individuals affected with DIP2C-related conditions. This variant is present in population databases (rs781650545, gnomAD 0.006%).

NM_014974.3(DIP2C):c.379G>A (p.Ala127Thr)

Gene: DIP2C (DIP2 acetate--CoA ligase C (putative); minus strand). Cytogenetic location: 10p15.3.
Variant type: single nucleotide variant.
Coding change: c.379G>A on transcript NM_014974.3 (MANE Select); coding-DNA position 379, G replaced by A.
Protein change: p.Ala127Thr; replaces alanine 127 with threonine.
Molecular consequence: missense variant.
Genome position (GRCh38, 1-based): chr10:440,886, C>T on the plus strand (G>A on the coding strand, the complement: DIP2C is on the minus strand). VCF-style: chr10-440886-C-T. GRCh37 (hg19) VCF-style: chr10-486826-C-T.
Other names: short protein forms A127T.
Identifiers: ClinVar variation 1910041 (VCV001910041.5), dbSNP rs781650545, ClinGen allele CA5381370.